The following is an entry in ClinVar:

ClinVar aggregate classification (germline): Uncertain significance (1 of 4 stars; one submission).

Conditions:
PPARG-related disorder. Also called: PPARG-related disorders; PPARG-related condition.

Submission:

PreventionGenetics, part of Exact Sciences
Classification: Uncertain significance for PPARG-related condition. Last evaluated: 2025-01-23. Review status: criteria provided, single submitter. Criteria: ACMG Guidelines, 2015. Collection method: clinical testing. Allele origin: germline.
Comment: The PPARG c.1dupA variant is predicted to disrupt the translation initiation site (p.Met1?). To our knowledge, this variant has not been reported in the literature or in a large population database (gnomAD), indicating this variant is rare. A downstream methionine codon is located at amino acid 29, and it is unknown whether protein translation is able to initiate at alternative methionine residues. At this time, the clinical significance of this variant is uncertain due to the absence of conclusive functional and genetic evidence.

NM_138711.6(PPARG):c.-8-28111dup

Gene: PPARG (peroxisome proliferator activated receptor gamma; plus strand). Cytogenetic location: 3p25.2.
Variant type: Duplication.
Coding change: c.-8-28111dup on transcript NM_138711.6 (MANE Select); 28111 bases into the intron before 8 bases upstream of the start codon, one base duplicated (A; older notation c.-8-28111dupA).
Molecular consequence: intron variant. On other transcripts: frameshift variant (3), initiator codon variant (3).
Genome position (GRCh38, 1-based): chr3:12,351,593, A duplicated. VCF-style (leftmost placement, unchanged base first): chr3-12351592-T-TA. GRCh37 (hg19) VCF-style: chr3-12393091-T-TA.
Other names: c.1dup, p.Met1fs (NM_001354668.2, NM_001374265.1, NM_015869.5); c.-8-28111dup (NM_001354666.3, NM_138712.5, NM_005037.7 and 5 more transcripts); c.-435-28111dup (NM_001354669.2); c.-9+6699dup (NM_001374262.3); c.-2-28111dup (NM_001374266.1, NM_001354670.2); short protein forms M1fs.
Identifiers: ClinVar variation 5001327 (VCV005001327.1).
Genomic context (GRCh38, chr3:12,351,592, plus strand): 5'-TTTTGCTAGATAGAGACAAAATATCAGTGTGAATTACAGCAAACCCCTATTCCATGCTGT[T>TA]ATGGGTGAAACTCTGGGAGATTCTCCTATTGACCCAGAAAGCGATTCCTTCACTGATACA-3'